The following is an entry in ClinVar:

NM_004006.3(DMD):c.2833dup (p.Gln945fs)

Gene: DMD (dystrophin; minus strand). Cytogenetic location: Xp21.1.
Variant type: Duplication.
Coding change: c.2833dup on transcript NM_004006.3 (MANE Select); coding-DNA position 2833, one base duplicated (C; older notation c.2833dupC).
Protein change: p.Gln945fs; shifts the reading frame from glutamine 945.
Molecular consequence: frameshift variant.
Genome position (GRCh38, 1-based): chrX:32,472,280, G duplicated on the plus strand (C on the coding strand, the reverse complement: DMD is on the minus strand). VCF-style (leftmost placement, unchanged base first): chrX-32472279-T-TG. GRCh37 (hg19) VCF-style: chrX-32490396-T-TG.
Other names: c.2809dup, p.Gln937fs (NM_000109.4); c.2821dup, p.Gln941fs (NM_004009.3); c.2464dup, p.Gln822fs (NM_004010.3); short protein forms Q945fs, Q822fs, Q941fs, Q937fs.
Identifiers: ClinVar variation 1451984 (VCV001451984.6), dbSNP rs2148485744, ClinGen allele CA2573158812.
Genomic context (GRCh38, chrX:32,472,279, plus strand): 5'-GGTATGGAGAGTTTGGTTTCTGACTGCTGGACCCATGTCCTGATGGCACTCATGGTCTCC[T>TG]GATAGCGCATTGGTGGCAAAGTGTCAAAAACTTTATCAAAAGGGAAAAAAGAATGAGAAT-3'

ClinVar aggregate classification (germline): Pathogenic (1 of 4 stars; one submission).

Conditions:
Duchenne muscular dystrophy (DMD). Also called: Duchenne Muscular Dystrophy (DMD); MUSCULAR DYSTROPHY, PSEUDOHYPERTROPHIC PROGRESSIVE, DUCHENNE TYPE. Identifiers: Orphanet 98896, MedGen C0013264, MONDO:0010679, OMIM 310200.

Submission:

Labcorp Genetics (formerly Invitae), Labcorp
Classification: Pathogenic for Duchenne muscular dystrophy. Last evaluated: 2020-11-16. Review status: criteria provided, single submitter. Criteria: Invitae Variant Classification Sherloc (09022015). Collection method: clinical testing. Allele origin: germline.
Comment: This sequence change creates a premature translational stop signal (p.Gln945Profs*24) in the DMD gene. It is expected to result in an absent or disrupted protein product. Loss-of-function variants in DMD are known to be pathogenic (PMID: 16770791, 25007885). This variant is not present in population databases (ExAC no frequency). This variant has not been reported in the literature in individuals with DMD-related conditions. For these reasons, this variant has been classified as Pathogenic.

Literature cited by the submitters: PubMed 16770791; PubMed 25007885.